The following is an entry in ClinVar:

NM_024503.5(HIVEP3):c.6921C>A (p.Ser2307Arg)

Gene: HIVEP3 (HIVEP zinc finger 3; minus strand). Cytogenetic location: 1p34.2.
Variant type: single nucleotide variant.
Coding change: c.6921C>A on transcript NM_024503.5 (MANE Select); coding-DNA position 6921, C replaced by A.
Protein change: p.Ser2307Arg; replaces serine 2307 with arginine.
Molecular consequence: missense variant.
Genome position (GRCh38, 1-based): chr1:41,510,751, G>T on the plus strand (C>A on the coding strand, the complement: HIVEP3 is on the minus strand). VCF-style: chr1-41510751-G-T. GRCh37 (hg19) VCF-style: chr1-41976422-G-T.
Other names: c.6918C>A, p.Ser2306Arg (NM_001127714.3); short protein forms S2306R, S2307R.
Identifiers: ClinVar variation 3053250 (VCV003053250.2), dbSNP rs74943337, ClinGen allele CA797059.

ClinVar aggregate classification (germline): Likely benign (0 of 4 stars; one submission).

Conditions:
HIVEP3-related disorder. Also called: HIVEP3-related condition.

Allele frequency attached by ClinVar (database versions not stated): ESP Exome Variant Server 0.00101; 1000 Genomes Project 0.00280; 1000 Genomes Project 30x 0.00312.
gnomAD v4.1: 313 of 1,581,916 alleles (0.02%); highest among the groups gnomAD compares: African/African-American, 0.36%; 1 homozygote.

Submission:

PreventionGenetics, part of Exact Sciences
Classification: Likely benign for HIVEP3-related condition. Last evaluated: 2019-08-13. Review status: no assertion criteria provided. Collection method: clinical testing. Allele origin: germline.
Comment: This variant is classified as likely benign based on ACMG/AMP sequence variant interpretation guidelines (Richards et al. 2015 PMID: 25741868, with internal and published modifications).